The following is an entry in ClinVar:

NM_001378454.1(ALMS1):c.8684G>A (p.Arg2895His)

Gene: ALMS1 (ALMS1 centrosome and basal body associated protein; plus strand). Cytogenetic location: 2p13.1.
Variant type: single nucleotide variant.
Coding change: c.8684G>A on transcript NM_001378454.1 (MANE Select); coding-DNA position 8684, G replaced by A.
Protein change: p.Arg2895His; replaces arginine 2895 with histidine.
Molecular consequence: missense variant.
Genome position (GRCh38, 1-based): chr2:73,490,643, G>A. VCF-style: chr2-73490643-G-A. GRCh37 (hg19) VCF-style: chr2-73717770-G-A.
Other names: c.8687G>A, p.Arg2896His (NM_015120.4); short protein forms R2896H, R2895H.
Identifiers: ClinVar variation 1370861 (VCV001370861.8), dbSNP rs755542969, ClinGen allele CA1714520.

ClinVar aggregate classification (germline): Conflicting classifications of pathogenicity. Review status: criteria provided, conflicting classifications (1 of 4 stars). 3 submissions from 3 submitters: Uncertain significance (2); Likely benign (1). Last evaluated 2023-11-20.

Conditions:
Cardiovascular phenotype. Identifiers: MedGen CN230736.
Alstrom syndrome (ALMS). Identifiers: Orphanet 64, MedGen C0268425, MONDO:0008763, OMIM 203800.

Allele frequency attached by ClinVar (database versions not stated): TOPMed 0.00001; ExAC 0.00002; gnomAD exomes 0.00002.
gnomAD v4.1: 9 of 1,613,790 alleles (0.00056%); highest among the groups gnomAD compares: Admixed American, 0.0067%; no homozygotes.

Submissions (3):

Labcorp Genetics (formerly Invitae), Labcorp
Classification: Uncertain significance for Alstrom syndrome. Last evaluated: 2023-11-20. Review status: criteria provided, single submitter. Criteria: Invitae Variant Classification Sherloc (09022015). Collection method: clinical testing. Allele origin: germline.
Comment: This sequence change replaces arginine with histidine at codon 2896 of the ALMS1 protein (p.Arg2896His). The arginine residue is weakly conserved and there is a small physicochemical difference between arginine and histidine. This variant is present in population databases (rs755542969, gnomAD 0.01%). This variant has not been reported in the literature in individuals affected with ALMS1-related conditions. ClinVar contains an entry for this variant (Variation ID: 1370861). Experimental studies and prediction algorithms are not available or were not evaluated, and the functional significance of this variant is currently unknown. In summary, the available evidence is currently insufficient to determine the role of this variant in disease. Therefore, it has been classified as a Variant of Uncertain Significance.

Ambry Genetics
Classification: Likely benign for Cardiovascular phenotype. Last evaluated: 2022-06-02. Review status: criteria provided, single submitter. Criteria: Ambry Variant Classification Scheme 2023. Collection method: clinical testing. Allele origin: germline.

GeneDx
Classification: Uncertain significance. Last evaluated: 2022-01-10. Review status: criteria provided, single submitter. Criteria: GeneDx Variant Classification Process June 2021. Collection method: clinical testing. Allele origin: germline. Affected: yes.
Comment: Not observed at significant frequency in large population cohorts (gnomAD); In silico analysis supports that this missense variant does not alter protein structure/function; Has not been previously published as pathogenic or benign to our knowledge